The following is an entry in ClinVar:

ClinVar aggregate classification (germline): Likely pathogenic. Review status: criteria provided, multiple submitters, no conflicts (2 of 4 stars). 2 submissions from 2 submitters: Likely pathogenic (2). Last evaluated 2026-01-26.

Conditions:
Leber congenital amaurosis (LCA). Also called: Leber's amaurosis. Identifiers: Orphanet 65, MedGen C0339527, MeSH D057130, MONDO:0018998.
Rod-cone dystrophy. Identifiers: MedGen C4551714, HP:0000510.

Submissions (2):

Natera, Inc.
Classification: Likely pathogenic for Leber congenital amaurosis. Last evaluated: 2026-01-26. Review status: criteria provided, single submitter. Criteria: Natera Variant Classification Schema (03/2026). Collection method: clinical testing. Allele origin: germline.
Comment: The c.6793_6794del variant in CEP290 is a frameshift variant predicted to shift the reading frame beginning at codon 2265 and leads to a stop codon 11 codons downstream. This variant is expected to result in nonsense mediated decay, truncation, or a dysfunctional protein product. This variant is rare in the general population with a frequency below the threshold expected for the associated phenotype(s). Given the available evidence, this variant is classified as Likely Pathogenic.

Center for Human Genetics and Genomic Medicine, Uniklinik Rwth Aachen
Classification: Likely pathogenic for Rod-cone dystrophy. Last evaluated: 2022-09-01. Review status: criteria provided, single submitter. Criteria: ACMG Guidelines, 2015. Collection method: clinical testing. Allele origin: unknown. Inheritance: Autosomal recessive inheritance. Affected: yes. Observed: 1 compound heterozygote.
Comment: The variant results in a reading frame shift leading to a premature stop codon and thus with high probability to loss of function of the corresponding protein. The variant is not listed in control collectives (gnomAD) and has not yet been described in the ClinVar database or in the literature. In case of stop or nonsense variants in a gene that matches the phenotype, in which "loss of function" changes represent a known pathomechanism, there is a high probability of pathogenetic relevance. The variant is currently to be regarded as a "likely pathogenic variant" (ACMG criteria).

NM_025114.4(CEP290):c.6793_6794del (p.Ser2265fs)

Gene: CEP290 (centrosomal protein 290; minus strand). Cytogenetic location: 12q21.32.
Variant type: Microsatellite.
Coding change: c.6793_6794del on transcript NM_025114.4 (MANE Select); coding-DNA positions 6793 to 6794, 2 bases deleted (AG; older notation c.6793_6794delAG).
Protein change: p.Ser2265fs; shifts the reading frame from serine 2265.
Molecular consequence: frameshift variant.
Genome position (GRCh38, 1-based): chr12:88,058,872-88,058,873, CT deleted on the plus strand (AG on the coding strand, the reverse complement: CEP290 is on the minus strand); deleting any 2 consecutive bases within chr12:88,058,872-88,058,875 gives the same sequence; the c. name uses the placement nearest the transcript's 3' end. VCF-style (leftmost placement, unchanged base first): chr12-88058871-GCT-G. GRCh37 (hg19) VCF-style: chr12-88452648-GCT-G.
Other names: c.6793_6794del (NM_025114.3); short protein forms S2265fs.
Identifiers: ClinVar variation 1711141 (VCV001711141.3), dbSNP rs2499528307, ClinGen allele CA2580616852.
Genomic context (GRCh38, chr12:88,058,871, plus strand): 5'-GATTAAACTTTGTACAAGTTTAAAACTCTGTTCCTACCTTGTAACCACAATGGATTTCCA[GCT>G]CTTACTGTCAGCACCTTCAAGCTGTGGACCTCTGCTTTCTGCAAACTGCAATCTCTTACC-3'